The following is an entry in ClinVar:

ClinVar aggregate classification (germline): Uncertain significance (1 of 4 stars; one submission).

Conditions:
Moyamoya disease 2 (MYMY2). Also called: MOYAMOYA DISEASE 2, SUSCEPTIBILITY TO. Identifiers: Orphanet 2573, MedGen C1846689, MONDO:0011784, OMIM 607151.

Submission:

Victorian Clinical Genetics Services, Murdoch Childrens Research Institute
Classification: Uncertain significance for Moyamoya disease 2. Last evaluated: 2026-02-25. Review status: criteria provided, single submitter. Criteria: ACMG Guidelines, 2015. Collection method: clinical testing. Allele origin: germline. Affected: yes.
Comment: This variant is classified as VUS-3C. Evidence in support of pathogenic classification: Variant is absent from gnomAD (v2, v3 and v4); Heterozygous variant detected in trans with a second PATHOGENIC heterozygous variant (NM_001256071.3(RNF213):c.14429G>A; p.(Arg4810Lys)) in a recessive disease. Evidence in support of benign classification: Missense variant predicted to be tolerated by in silico tool(s) or not conserved in placental mammals with a minor amino acid change. Additional information: Variant is predicted to result in a missense amino acid change from Ala to Val; This variant is heterozygous; This gene is associated with both recessive and dominant susceptibility to moyamoya disease 2 (MIM#607151), where recessive inheritance has earlier onset of symptoms (PMID: 26198278); Alternative amino acid change(s) at the same position are present in gnomAD (highest allele count: v4: 1 heterozygote(s), 0 homozygote(s)); This variant has no previous evidence of pathogenicity; No published evidence of segregation with disease has been identified for this variant; No published functional evidence has been identified for this variant; No comparable missense variants have previous evidence for pathogenicity; Variant is not located in an established domain, motif, hotspot or informative constraint region; The mechanism of disease for this gene is not clearly established. Gain of function, loss of function and dominant negative have been postulated (PMID: 26662949, 35135845, 37399508); The condition associated with this gene has incomplete penetrance. Low penetrance is well reported for the p.(Arg4810Lys) variant in this gene (PMID: 35605621).

Literature cited by the submitters: PubMed 26662949; PubMed 26198278; PubMed 35135845; PubMed 35605621; PubMed 37399508.

NM_001256071.3(RNF213):c.1718C>T (p.Ala573Val)

Gene: RNF213 (ring finger protein 213; plus strand). Cytogenetic location: 17q25.3.
Variant type: single nucleotide variant.
Coding change: c.1718C>T on transcript NM_001256071.3 (MANE Select); coding-DNA position 1718, C replaced by T.
Protein change: p.Ala573Val; replaces alanine 573 with valine.
Molecular consequence: missense variant.
Genome position (GRCh38, 1-based): chr17:80,294,966, C>T. VCF-style: chr17-80294966-C-T. GRCh37 (hg19) VCF-style: chr17-78268765-C-T.
Other names: c.1865C>T, p.Ala622Val (NM_001410195.1, NM_020914.5); c.1718C>T, p.Ala573Val (NM_020954.4); short protein forms A573V, A622V.
Identifiers: ClinVar variation 4879656 (VCV004879656.1).
Genomic context (GRCh38, chr17:80,294,966, plus strand): 5'-TCACCCAGTTCGAGCAGTTTTGCTTTGTCCTGCAACAGCCTATGATTTATGAAGGACAGG[C>T]ACAGCTGTGGACCGATTTGCAGTACAGGGAGAAAGAGGTATCAGGCTTGCCACCAGCTGC-3'
Protein context (NP_001243000.2, residues 563-583): LQQPMIYEGQ[Ala573Val]QLWTDLQYRE